The following is an entry in ClinVar:

ClinVar aggregate classification (germline): Conflicting classifications of pathogenicity. Review status: criteria provided, conflicting classifications (1 of 4 stars). 2 submissions from 2 submitters: Uncertain significance (1); Likely benign (1). Last evaluated 2024-12-16.

Conditions:
Alagille syndrome due to a JAG1 point mutation. Also called: HEPATIC DUCTULAR HYPOPLASIA, SYNDROMATIC; JAG1-Related Alagille Syndrome; Alagille Syndrome 1. Identifiers: Orphanet 261619, Orphanet 52, MedGen C1956125, MONDO:0016862, OMIM 118450.

Allele frequency attached by ClinVar (database versions not stated): gnomAD exomes below 0.00001; ESP Exome Variant Server 0.00008.
gnomAD v4.1: 1 of 1,614,188 alleles (0.000062%); highest among the groups gnomAD compares: Non-Finnish European, 0.000085%; no homozygotes.

Submissions (2):

GeneDx
Classification: Uncertain significance. Last evaluated: 2024-12-16. Review status: criteria provided, single submitter. Criteria: GeneDx Variant Classification Process June 2021. Collection method: clinical testing. Allele origin: germline. Affected: yes.
Comment: Not observed at significant frequency in large population cohorts (gnomAD); In silico analysis supports that this missense variant has a deleterious effect on protein structure/function; Has not been previously published as pathogenic or benign to our knowledge

Labcorp Genetics (formerly Invitae), Labcorp
Classification: Likely benign for Alagille syndrome due to a JAG1 point mutation. Last evaluated: 2024-08-13. Review status: criteria provided, single submitter. Criteria: Invitae Variant Classification Sherloc (09022015). Collection method: clinical testing. Allele origin: germline.

NM_000214.3(JAG1):c.1427C>T (p.Pro476Leu)

Gene: JAG1 (jagged canonical Notch ligand 1; minus strand). Cytogenetic location: 20p12.2.
Variant type: single nucleotide variant.
Coding change: c.1427C>T on transcript NM_000214.3 (MANE Select); coding-DNA position 1427, C replaced by T.
Protein change: p.Pro476Leu; replaces proline 476 with leucine.
Molecular consequence: missense variant.
Genome position (GRCh38, 1-based): chr20:10,648,691, G>A on the plus strand (C>T on the coding strand, the complement: JAG1 is on the minus strand). VCF-style: chr20-10648691-G-A. GRCh37 (hg19) VCF-style: chr20-10629339-G-A.
Other names: c.1427C>T (NM_000214.2); short protein forms P476L.
Identifiers: ClinVar variation 2894765 (VCV002894765.4), dbSNP rs148448920, ClinGen allele CA9764846.
Genomic context (GRCh38, chr20:10,648,691, plus strand): 5'-CAGGGGTTGCTGGCACATTCATCGATGTCTCTCTCACAGTGATCGCCTGCATAGCCAGGT[G>A]GACAGATACAGCGATAACCATTAACCAAATCCTAGAAGAGGAGAAGGGGAGAGAGAGACA-3'
Protein context (NP_000205.1, residues 466-486): DLVNGYRCIC[Pro476Leu]PGYAGDHCER